The following is an entry in ClinVar:

NM_006343.3(MERTK):c.1744_1751delinsT (p.Val581_Ile582insTer)

Gene: MERTK (MER proto-oncogene, tyrosine kinase; plus strand). Cytogenetic location: 2q13.
Variant type: Indel.
Coding change: c.1744_1751delinsT on transcript NM_006343.3 (MANE Select); coding-DNA positions 1744 to 1751, ATTGACAG replaced by T.
Protein change: p.Val581_Ile582insTer.
Molecular consequence: nonsense.
Genome position (GRCh38, 1-based): chr2:112,003,145-112,003,152, ATTGACAG replaced by T. VCF-style: chr2-112003145-ATTGACAG-T. GRCh37 (hg19) VCF-style: chr2-112760722-ATTGACAG-T.
Identifiers: ClinVar variation 867009 (VCV000867009.3), dbSNP rs1676904823, ClinGen allele CA916082201.

ClinVar aggregate classification (germline): Pathogenic. Review status: criteria provided, multiple submitters, no conflicts (2 of 4 stars). 2 submissions from 2 submitters: Pathogenic (2). Last evaluated 2025-10-20.

Conditions:
MERTK-related disorder. Also called: MERTK-related condition.
Retinal disorder. Also called: Retinopathy; Retinal disorders; Retinopathies; Retinal Diseases. Identifiers: MedGen C0035309, MONDO:0005283, HP:0000488.

Submissions (2):

Genetics Laboratory, Great Ormond Street Hospital NHS Foundation Trust, North Thames Genomic Laboratory Hub
Classification: Pathogenic for Retinal disorders. Last evaluated: 2025-10-20. Review status: criteria provided, single submitter. Criteria: ACGS Best Practice Guidelines for Variant Classification in Rare Disease 2024 v1.2. Collection method: clinical testing. Allele origin: germline. Affected: yes.
Comment: PM2_moderate, PVS1_very-strong

Blueprint Genetics
Classification: Pathogenic for MERTK-related disorders. Last evaluated: 2023-11-22. Review status: criteria provided, single submitter. Criteria: ACMG Guidelines, 2015. Collection method: clinical testing. Allele origin: germline. Affected: yes. Observed: 1 variant allele.